The following is an entry in ClinVar:

ClinVar aggregate classification (germline): Uncertain significance (1 of 4 stars; one submission).

Conditions:
Alstrom syndrome (ALMS). Identifiers: Orphanet 64, MedGen C0268425, MONDO:0008763, OMIM 203800.

Allele frequency attached by ClinVar (database versions not stated): ExAC 0.00001.
gnomAD v4.1: 8 of 1,613,998 alleles (0.0005%); highest among the groups gnomAD compares: East Asian, 0.0067%; no homozygotes.

Submission:

Labcorp Genetics (formerly Invitae), Labcorp
Classification: Uncertain significance for Alstrom syndrome. Last evaluated: 2026-01-18. Review status: criteria provided, single submitter. Criteria: Invitae Variant Classification Sherloc (09022015). Collection method: clinical testing. Allele origin: germline.
Comment: This sequence change replaces histidine, which is basic and polar, with tyrosine, which is neutral and polar, at codon 3652 of the ALMS1 protein (p.His3652Tyr). This variant is present in population databases (rs748200460, gnomAD 0.006%). This variant has not been reported in the literature in individuals affected with ALMS1-related conditions. ClinVar contains an entry for this variant (Variation ID: 2068114). Experimental studies and prediction algorithms are not available or were not evaluated, and the functional significance of this variant is currently unknown. In summary, the available evidence is currently insufficient to determine the role of this variant in disease. Therefore, it has been classified as a Variant of Uncertain Significance.

NM_001378454.1(ALMS1):c.10951C>T (p.His3651Tyr)

Gene: ALMS1 (ALMS1 centrosome and basal body associated protein; plus strand). Cytogenetic location: 2p13.1.
Variant type: single nucleotide variant.
Coding change: c.10951C>T on transcript NM_001378454.1 (MANE Select); coding-DNA position 10951, C replaced by T.
Protein change: p.His3651Tyr; replaces histidine 3651 with tyrosine.
Molecular consequence: missense variant.
Genome position (GRCh38, 1-based): chr2:73,572,828, C>T. VCF-style: chr2-73572828-C-T. GRCh37 (hg19) VCF-style: chr2-73799955-C-T.
Other names: c.10954C>T, p.His3652Tyr (NM_015120.4); short protein forms H3652Y, H3651Y.
Identifiers: ClinVar variation 2068114 (VCV002068114.2), dbSNP rs748200460, ClinGen allele CA1715092.
Genomic context (GRCh38, chr2:73,572,828, plus strand): 5'-CGTTTGGCTAAAATTCTTCAGAATCCAATCACACATTCTCTCCAGGTCTCAGAAAGTACA[C>T]ATGATGATAGCAGAGGGGAACGAAGTGTGAAGGAATGGAGTGGTAGACAACAGCAGAGAA-3'
Protein context (NP_001365383.1, residues 3641-3661): THSLQVSEST[His3651Tyr]DDSRGERSVK